The following is an entry in ClinVar:

NM_001849.4(COL6A2):c.736-1G>A

Gene: COL6A2 (collagen type VI alpha 2 chain; plus strand). Cytogenetic location: 21q22.3.
Variant type: single nucleotide variant.
Coding change: c.736-1G>A on transcript NM_001849.4 (MANE Select); the canonical splice acceptor site of the intron before coding-DNA position 736, G replaced by A.
Molecular consequence: splice acceptor variant.
Genome position (GRCh38, 1-based): chr21:46,114,007, G>A. VCF-style: chr21-46114007-G-A. GRCh37 (hg19) VCF-style: chr21-47533921-G-A.
Other names: c.736-1G>A (NM_058175.3, NM_058174.3).
Identifiers: ClinVar variation 1459400 (VCV001459400.7), dbSNP rs1601221868, ClinGen allele CA410523350.

ClinVar aggregate classification (germline): Pathogenic. Review status: criteria provided, multiple submitters, no conflicts (2 of 4 stars). 2 submissions from 2 submitters: Pathogenic (2). Last evaluated 2025-05-23.

Conditions:
Bethlem myopathy 1A. Also called: Bethlem myopathy 1; Bethlem Muscular Dystrophy; MYOPATHY, BENIGN CONGENITAL, WITH CONTRACTURES. Identifiers: Orphanet 610, MedGen CN029274, MONDO:0024530, OMIM 158810.

Submissions (2):

Dasa
Classification: Pathogenic. Last evaluated: 2025-05-23. Review status: criteria provided, single submitter. Criteria: DASA Assertion Criteria. Collection method: clinical testing. Allele origin: germline.
Comment: NM_001849.4(COL6A2):c.736-1G>A affects a canonical splice site and is predicted to disrupt normal RNA splicing, leading to loss of normal protein function. Loss-of-function is an established mechanism of disease for this gene. This variant results in the same amino acid change as a previously established pathogenic variant. De novo occurrence has been reported in an individual with related phenotype. This variant has been recurrently observed in individuals with related phenotype (PMID: 24801232; PMID: 29419890; PMID: 34167565). The variant is present at low frequency in population datasets. Based on the available data, this variant is classified as pathogenic.

Labcorp Genetics (formerly Invitae), Labcorp
Classification: Pathogenic for Bethlem myopathy 1A. Last evaluated: 2022-06-20. Review status: criteria provided, single submitter. Criteria: Invitae Variant Classification Sherloc (09022015). Collection method: clinical testing. Allele origin: germline.
Comment: This sequence change affects an acceptor splice site in intron 4 of the COL6A2 gene. It is expected to disrupt RNA splicing. Variants that disrupt the donor or acceptor splice site typically lead to a loss of protein function (PMID: 16199547), and loss-of-function variants in COL6A2 are known to be disease-causing for autosomal recessive COL6A2 conditions (PMID: 21280092, 20976770). However, certain variants affecting donor or acceptor splice sites in the triple helical domain of COL6A2 are expected to result in in-frame exon skipping and have been reported to cause autosomal dominant COL6A2-related conditions (PMID: 18366090). For these reasons, this variant has been classified as Pathogenic. Algorithms developed to predict the effect of sequence changes on RNA splicing suggest that this variant may disrupt the consensus splice site. Disruption of this splice site has been observed in individual(s) with Ullrich congenital muscular dystrophy (PMID: 24801232). In at least one individual the variant was observed to be de novo. This variant is not present in population databases (gnomAD no frequency).

Literature cited by the submitters: PubMed 24801232 (cited by Dasa and Labcorp Genetics (formerly Invitae), Labcorp); PubMed 29419890 (cited by Dasa); PubMed 34167565 (cited by Dasa); PubMed 16199547 (cited by Labcorp Genetics (formerly Invitae), Labcorp); PubMed 21280092 (cited by Labcorp Genetics (formerly Invitae), Labcorp); PubMed 20976770 (cited by Labcorp Genetics (formerly Invitae), Labcorp); PubMed 18366090 (cited by Labcorp Genetics (formerly Invitae), Labcorp).